The following is an entry in ClinVar:

ClinVar aggregate classification (germline): Likely pathogenic (1 of 4 stars; one submission).

Conditions:
Endometrial carcinoma. Also called: Endometrial carcinoma, somatic. Identifiers: MedGen C0476089, MONDO:0002447, OMIM 608089, HP:0012114.

Submission:

Neuberg Centre For Genomic Medicine, NCGM
Classification: Likely pathogenic for Endometrial carcinoma. Last evaluated: 2023-02-14. Review status: criteria provided, single submitter. Criteria: ACMG Guidelines, 2015. Collection method: clinical testing. Allele origin: germline. Inheritance: Autosomal dominant inheritance. Affected: yes.
Comment: The frame shift c.2799del (p.Val934SerfsTer31) variant in MLH3 gene has not been reported previously as a pathogenic variant nor as a benign variant, to our knowledge. The p.Val934SerfsTer31 variant is novel (not in any individuals) in gnomAD Exomes and 1000 Genomes. This variant has not been reported to the ClinVar database. This variant causes a frameshift starting with codon Valine 934, changes this amino acid to Serine residue, and creates a premature Stop codon at position 31 of the new reading frame, denoted p.Val934SerfsTer31. This variant is predicted to cause loss of normal protein function through protein truncation. Loss of function variants have been previously reported to be disease causing. For these reasons, this variant has been classified as Likely Pathogenic.

NM_001040108.2(MLH3):c.2799del (p.Val934fs)

Gene: MLH3 (mutL homolog 3; minus strand). Cytogenetic location: 14q24.3.
Variant type: Deletion.
Coding change: c.2799del on transcript NM_001040108.2 (MANE Select); coding-DNA position 2799, one base deleted (T; older notation c.2799delT).
Protein change: p.Val934fs; shifts the reading frame from valine 934.
Molecular consequence: frameshift variant.
Genome position (GRCh38, 1-based): chr14:75,046,857, A deleted on the plus strand (T on the coding strand, the reverse complement: MLH3 is on the minus strand). VCF-style (leftmost placement, unchanged base first): chr14-75046856-CA-C. GRCh37 (hg19) VCF-style: chr14-75513559-CA-C.
Other names: c.2799del, p.Val934fs (NM_014381.3); short protein forms V934fs.
Identifiers: ClinVar variation 2664913 (VCV002664913.1), dbSNP rs2503260477, ClinGen allele CA2695199839.